The following is an entry in ClinVar:

NM_000111.3(SLC26A3):c.1744C>T (p.Gln582Ter)

Gene: SLC26A3 (solute carrier family 26 member 3; minus strand). Cytogenetic location: 7q22.3.
Variant type: single nucleotide variant.
Coding change: c.1744C>T on transcript NM_000111.3 (MANE Select); coding-DNA position 1744, C replaced by T.
Protein change: p.Gln582Ter; replaces glutamine 582 with a stop codon.
Molecular consequence: nonsense.
Genome position (GRCh38, 1-based): chr7:107,774,806, G>A on the plus strand (C>T on the coding strand, the complement: SLC26A3 is on the minus strand). VCF-style: chr7-107774806-G-A. GRCh37 (hg19) VCF-style: chr7-107415251-G-A.
Other names: short protein forms Q582*.
Identifiers: ClinVar variation 4851961 (VCV004851961.1).

ClinVar aggregate classification (germline): Pathogenic (1 of 4 stars; one submission).

gnomAD v4.1: 2 of 1,614,046 alleles (0.00012%); highest among the groups gnomAD compares: Non-Finnish European, 0.00017%; no homozygotes.

Submission:

Dasa
Classification: Pathogenic. Last evaluated: 2024-09-16. Review status: criteria provided, single submitter. Criteria: DASA Assertion Criteria. Collection method: clinical testing. Allele origin: germline.
Comment: NM_000111.3(SLC26A3):c.1744C>T (p.Gln582*) introduces a premature termination codon predicted to result in loss of normal protein function. Loss-of-function is an established mechanism of disease for this gene. Based on the available data, this variant is classified as pathogenic.